The following is an entry in ClinVar:

ClinVar aggregate classification (germline): Uncertain significance. Review status: criteria provided, multiple submitters, no conflicts (2 of 4 stars). 2 submissions from 2 submitters: Uncertain significance (2). Last evaluated 2024-02-28.

Allele frequency attached by ClinVar (database versions not stated): gnomAD exomes 0.00004; ExAC 0.00005; ESP Exome Variant Server 0.00008; 1000 Genomes Project 30x 0.00016; 1000 Genomes Project 0.00020.
gnomAD v4.1: 26 of 1,613,088 alleles (0.0016%); highest among the groups gnomAD compares: South Asian, 0.023%; 1 homozygote.

Submissions (2):

Labcorp Genetics (formerly Invitae), Labcorp
Classification: Uncertain significance. Last evaluated: 2024-02-28. Review status: criteria provided, single submitter. Criteria: Invitae Variant Classification Sherloc (09022015). Collection method: clinical testing. Allele origin: germline.
Comment: This sequence change replaces aspartic acid, which is acidic and polar, with tyrosine, which is neutral and polar, at codon 487 of the RELB protein (p.Asp487Tyr). This variant is present in population databases (rs144038804, gnomAD 0.02%). This variant has not been reported in the literature in individuals affected with RELB-related conditions. ClinVar contains an entry for this variant (Variation ID: 1521114). An algorithm developed to predict the effect of missense changes on protein structure and function (PolyPhen-2) suggests that this variant is likely to be disruptive. In summary, the available evidence is currently insufficient to determine the role of this variant in disease. Therefore, it has been classified as a Variant of Uncertain Significance.

Breakthrough Genomics
Classification: Uncertain significance. Review status: criteria provided, single submitter. Criteria: ACMG Guidelines, 2015. Collection method: not provided. Allele origin: germline. Inheritance: Autosomal dominant inheritance. Affected: yes.

NM_006509.4(RELB):c.1459G>T (p.Asp487Tyr)

Gene: RELB (RELB proto-oncogene, NF-kB subunit; plus strand). Cytogenetic location: 19q13.32.
Variant type: single nucleotide variant.
Coding change: c.1459G>T on transcript NM_006509.4 (MANE Select); coding-DNA position 1459, G replaced by T.
Protein change: p.Asp487Tyr; replaces aspartic acid 487 with tyrosine.
Molecular consequence: missense variant.
Genome position (GRCh38, 1-based): chr19:45,037,509, G>T. VCF-style: chr19-45037509-G-T. GRCh37 (hg19) VCF-style: chr19-45540767-G-T.
Other names: short protein forms D487Y.
Identifiers: ClinVar variation 1521114 (VCV001521114.7), dbSNP rs144038804, ClinGen allele CA9507878.
Genomic context (GRCh38, chr19:45,037,509, plus strand): 5'-TTCTCTGGCACCGTGTCCCTGCCCGGCCTGGAGCCCCCTGGCGGGCCTGACCTCCTGGAC[G>T]ATGGCTTTGCCTACGACCCTACGGCCCCCACACTCTTCACCATGCTGGACCTGCTGCCCC-3'
Protein context (NP_006500.2, residues 477-497): EPPGGPDLLD[Asp487Tyr]GFAYDPTAPT